The following is an entry in ClinVar:

NM_017882.3(CLN6):c.872C>T (p.Pro291Leu)

Gene: CLN6 (CLN6 transmembrane ER protein; minus strand). Cytogenetic location: 15q23.
Variant type: single nucleotide variant.
Coding change: c.872C>T on transcript NM_017882.3 (MANE Select); coding-DNA position 872, C replaced by T.
Protein change: p.Pro291Leu; replaces proline 291 with leucine.
Molecular consequence: missense variant.
Genome position (GRCh38, 1-based): chr15:68,208,204, G>A on the plus strand (C>T on the coding strand, the complement: CLN6 is on the minus strand). VCF-style: chr15-68208204-G-A. GRCh37 (hg19) VCF-style: chr15-68500542-G-A.
Other names: short protein forms P291L.
Identifiers: ClinVar variation 1433683 (VCV001433683.5), dbSNP rs373652272, ClinGen allele CA7630456.

ClinVar aggregate classification (germline): Conflicting classifications of pathogenicity. Review status: criteria provided, conflicting classifications (1 of 4 stars). 2 submissions from 2 submitters: Likely pathogenic (1); Uncertain significance (1). Last evaluated 2022-06-03.

Conditions:
Ceroid lipofuscinosis, neuronal, 6A. Also called: Neuronal ceroid lipofuscinosis 6; CLN6-Related Neuronal Ceroid-Lipofuscinosis; Neuronal ceroid lipofuscinosis, Gypsy/Indian early juvenile variant; Neuronal ceroid lipofuscinosis, late infantile, variant. Identifiers: Orphanet 168491, Orphanet 228363, MedGen C5551375, MONDO:0011144, OMIM 601780.
Ceroid lipofuscinosis, neuronal, 6B (Kufs type). Also called: Neuronal ceroid lipofuscinosis 4A. Identifiers: Orphanet 700477, MedGen C5561927, MONDO:0008768, OMIM 204300.
Neuronal ceroid lipofuscinosis. Also called: Neuronal Ceroid Lipofuscinoses. Identifiers: Orphanet 216, Orphanet 79263, MedGen C0027877, MONDO:0016295. Disease mechanism: loss of function.

Allele frequency attached by ClinVar (database versions not stated): gnomAD 0.00003; gnomAD exomes 0.00004 and 0.00001; ExAC 0.00006; ESP Exome Variant Server 0.00008.
gnomAD v4.1: 24 of 1,560,970 alleles (0.0015%); highest among the groups gnomAD compares: African/African-American, 0.011%; no homozygotes.

Submissions (2):

Labcorp Genetics (formerly Invitae), Labcorp
Classification: Uncertain significance for Neuronal ceroid lipofuscinosis. Last evaluated: 2022-06-03. Review status: criteria provided, single submitter. Criteria: Invitae Variant Classification Sherloc (09022015). Collection method: clinical testing. Allele origin: germline.
Comment: This sequence change replaces proline, which is neutral and non-polar, with leucine, which is neutral and non-polar, at codon 291 of the CLN6 protein (p.Pro291Leu). This variant is present in population databases (rs373652272, gnomAD 0.03%). This variant has not been reported in the literature in individuals affected with CLN6-related conditions. ClinVar contains an entry for this variant (Variation ID: 1433683). Algorithms developed to predict the effect of missense changes on protein structure and function are either unavailable or do not agree on the potential impact of this missense change (SIFT: "Deleterious"; PolyPhen-2: "Probably Damaging"; Align-GVGD: "Class C0"). In summary, the available evidence is currently insufficient to determine the role of this variant in disease. Therefore, it has been classified as a Variant of Uncertain Significance.

Juno Genomics, Hangzhou Juno Genomics, Inc
Classification: Likely pathogenic for Ceroid lipofuscinosis, neuronal, 6A; Ceroid lipofuscinosis, neuronal, 6B (Kufs type). Review status: criteria provided, single submitter. Criteria: ACMG Guidelines, 2015. Collection method: clinical testing. Allele origin: germline.
Comment: Absent from controls (or at extremely low frequency if recessive) in Genome Aggregation Database.;Multiple lines of computational evidence support a deleterious effect on the gene or gene product.;Patient's phenotype or family history is highly specific for a disease with a single genetic etiology.;Co-segregation with disease in multiple affected family members.